The following is an entry in ClinVar:

ClinVar aggregate classification (germline): Likely pathogenic (1 of 4 stars; one submission).

Conditions:
Autosomal recessive nonsyndromic hearing loss 84A. Also called: DEAFNESS, AUTOSOMAL RECESSIVE 84A; DEAFNESS, AUTOSOMAL RECESSIVE 84A, WITH VESTIBULAR DYSFUNCTION. Identifiers: Orphanet 90636, MedGen C3150654, MONDO:0013249, OMIM 613391.

Submission:

Juno Genomics, Hangzhou Juno Genomics, Inc
Classification: Likely pathogenic for Autosomal recessive nonsyndromic hearing loss 84A. Review status: criteria provided, single submitter. Criteria: ACMG Guidelines, 2015. Collection method: clinical testing. Allele origin: germline.
Comment: Null variant in a gene where loss of function (LOF) is a known mechanism of disease.;Absent from controls (or at extremely low frequency if recessive) in Genome Aggregation Database.

NM_001145026.2(PTPRQ):c.660+1G>A

Gene: PTPRQ (protein tyrosine phosphatase receptor type Q; plus strand). Cytogenetic location: 12q21.31.
Variant type: single nucleotide variant.
Coding change: c.660+1G>A on transcript NM_001145026.2 (MANE Select); the canonical splice donor site of the intron after coding-DNA position 660, G replaced by A.
Molecular consequence: splice donor variant.
Genome position (GRCh38, 1-based): chr12:80,459,484, G>A. VCF-style: chr12-80459484-G-A. GRCh37 (hg19) VCF-style: chr12-80850693-C-T.
Identifiers: ClinVar variation 5005177 (VCV005005177.2).
Genomic context (GRCh38, chr12:80,459,484, plus strand): 5'-GTGAAAGATGTCTCAATCAGAGTAGAGGACATTTTGACTGGGAAATTGCCAGAATGCAAT[G>A]TAAGTATCACAGAACACTTTCTATGTCTTGAAAAATCTTAGATAAATTTAATTTTCATAT-3'